The following is an entry in ClinVar:

NM_005751.5(AKAP9):c.292G>A (p.Gly98Ser)

Gene: AKAP9 (A-kinase anchoring protein 9; plus strand). Cytogenetic location: 7q21.2.
Variant type: single nucleotide variant.
Coding change: c.292G>A on transcript NM_005751.5 (MANE Select); coding-DNA position 292, G replaced by A.
Protein change: p.Gly98Ser; replaces glycine 98 with serine.
Molecular consequence: missense variant.
Genome position (GRCh38, 1-based): chr7:91,973,954, G>A. VCF-style: chr7-91973954-G-A. GRCh37 (hg19) VCF-style: chr7-91603268-G-A.
Other names: c.292G>A, p.Gly98Ser (NM_147185.3); short protein forms G98S.
Identifiers: ClinVar variation 1797795 (VCV001797795.2), dbSNP rs2484599409, ClinGen allele CA368118887.

ClinVar aggregate classification (germline): Uncertain significance (1 of 4 stars; one submission).

Conditions:
Cardiovascular phenotype. Identifiers: MedGen CN230736.

Submission:

Ambry Genetics
Classification: Uncertain significance for Cardiovascular phenotype. Last evaluated: 2022-07-17. Review status: criteria provided, single submitter. Criteria: Ambry Variant Classification Scheme 2023. Collection method: clinical testing. Allele origin: germline.
Comment: The p.G98S variant (also known as c.292G>A), located in coding exon 2 of the AKAP9 gene, results from a G to A substitution at nucleotide position 292. The glycine at codon 98 is replaced by serine, an amino acid with similar properties. This amino acid position is conserved. In addition, this alteration is predicted to be tolerated by in silico analysis. Since supporting evidence is limited at this time, the clinical significance of this alteration remains unclear.